The following is an entry in ClinVar:

ClinVar aggregate classification (germline): Pathogenic. Review status: criteria provided, multiple submitters, no conflicts (2 of 4 stars). 2 submissions from 2 submitters: Pathogenic (2). Last evaluated 2021-08-10.

Conditions:
Wilson disease (WND). Also called: Wilson's disease. Identifiers: Orphanet 905, MedGen C0019202, MONDO:0010200, OMIM 277900. Disease mechanism: loss of function.

Submissions (2):

Genome-Nilou Lab
Classification: Pathogenic for Wilson disease. Last evaluated: 2021-08-10. Review status: criteria provided, single submitter. Criteria: ACMG Guidelines, 2015. Collection method: clinical testing. Allele origin: germline. Affected: no.

Labcorp Genetics (formerly Invitae), Labcorp
Classification: Pathogenic for Wilson disease. Last evaluated: 2020-03-07. Review status: criteria provided, single submitter. Criteria: Invitae Variant Classification Sherloc (09022015). Collection method: clinical testing. Allele origin: germline.
Comment: For these reasons, this variant has been classified as Pathogenic. Loss-of-function variants in ATP7B are known to be pathogenic (PMID: 10441329, 16283883). This variant has not been reported in the literature in individuals with ATP7B-related conditions. This variant is not present in population databases (ExAC no frequency). This sequence change creates a premature translational stop signal (p.Tyr719*) in the ATP7B gene. It is expected to result in an absent or disrupted protein product.

Literature cited by the submitters: PubMed 10441329 (cited by Labcorp Genetics (formerly Invitae), Labcorp); PubMed 16283883 (cited by Labcorp Genetics (formerly Invitae), Labcorp).

NM_000053.4(ATP7B):c.2157del (p.Ala718_Tyr719insTer)

Gene: ATP7B (ATPase copper transporting beta; minus strand). Cytogenetic location: 13q14.3.
Variant type: Deletion.
Coding change: c.2157del on transcript NM_000053.4 (MANE Select); coding-DNA position 2157, one base deleted (C; older notation c.2157delC).
Protein change: p.Ala718_Tyr719insTer.
Molecular consequence: nonsense. On other transcripts: intron variant (2).
Genome position (GRCh38, 1-based): chr13:51,958,509, G deleted on the plus strand (C on the coding strand, the reverse complement: ATP7B is on the minus strand). VCF-style (leftmost placement, unchanged base first): chr13-51958508-TG-T. GRCh37 (hg19) VCF-style: chr13-52532644-TG-T.
Other names: c.1824del, p.Ala607_Tyr608insTer (NM_001243182.2); c.1905del, p.Ala634_Tyr635insTer (NM_001330579.2); c.1870-902del (NM_001005918.3); c.2122-902del (NM_001330578.2).
Identifiers: ClinVar variation 835191 (VCV000835191.9), dbSNP rs1958506321, ClinGen allele CA916083359.